The following is an entry in ClinVar:

NM_002972.4(SBF1):c.5128_5130del (p.Leu1710del)

Gene: SBF1 (SET binding factor 1; minus strand). Cytogenetic location: 22q13.33.
Variant type: Deletion.
Coding change: c.5128_5130del on transcript NM_002972.4 (MANE Select); coding-DNA positions 5128 to 5130, 3 bases deleted (CTC; older notation c.5128_5130delCTC).
Protein change: p.Leu1710del; deletes leucine 1710.
Molecular consequence: inframe deletion. On other transcripts: inframe indel (3).
Genome position (GRCh38, 1-based): chr22:50,448,564-50,448,566, GAG deleted on the plus strand (CTC on the coding strand, the reverse complement: SBF1 is on the minus strand); deleting any 3 consecutive bases within chr22:50,448,564-50,448,567 gives the same sequence; the c. name uses the placement nearest the transcript's 3' end. VCF-style (leftmost placement, unchanged base first): chr22-50448563-CGAG-C. GRCh37 (hg19) VCF-style: chr22-50886992-CGAG-C.
Other names: c.5053_5055del, p.Leu1685del (NM_001365819.1); c.5130_5132delCCT, p.Leu1711del (NM_001410794.1); c.5049_5051delCCT, p.Leu1684del (NM_001410795.1); c.5127_5129delCCT, p.Leu1710del (NM_197971.1); short protein forms L1685del, L1710del, L1684del, L1711del.
Identifiers: ClinVar variation 2105006 (VCV002105006.4), dbSNP rs1449385434, ClinGen allele CA640047701.
Genomic context (GRCh38, chr22:50,448,563, plus strand): 5'-AACACGCCCACCGTGGACGCTCACACTGGCCCTCACTCACACGGCCGTCTGGCCGGCCCT[CGAG>C]GCGCTGTGCAGCCTTCACCCGGTCCCAGGTGTCCTTCCAGCGCTCAGCGGGTTGGCCCAA-3'

ClinVar aggregate classification (germline): Uncertain significance (1 of 4 stars; one submission).

Submission:

Labcorp Genetics (formerly Invitae), Labcorp
Classification: Uncertain significance. Last evaluated: 2022-03-31. Review status: criteria provided, single submitter. Criteria: Invitae Variant Classification Sherloc (09022015). Collection method: clinical testing. Allele origin: germline.
Comment: In summary, the available evidence is currently insufficient to determine the role of this variant in disease. Therefore, it has been classified as a Variant of Uncertain Significance. Experimental studies and prediction algorithms are not available or were not evaluated, and the functional significance of this variant is currently unknown. This variant has not been reported in the literature in individuals affected with SBF1-related conditions. This variant is present in population databases (no rsID available, gnomAD 0.0009%). This variant, c.5128_5130del, results in the deletion of 1 amino acid(s) of the SBF1 protein (p.Leu1710del), but otherwise preserves the integrity of the reading frame.